The following is an entry in ClinVar:

ClinVar aggregate classification (germline): Pathogenic (1 of 4 stars; one submission).

gnomAD v4.1: 8 of 1,514,476 alleles (0.00053%); highest among the groups gnomAD compares: Admixed American, 0.0021%; no homozygotes.

Submission:

Labcorp Genetics (formerly Invitae), Labcorp
Classification: Pathogenic. Last evaluated: 2022-03-18. Review status: criteria provided, single submitter. Criteria: Invitae Variant Classification Sherloc (09022015). Collection method: clinical testing. Allele origin: germline.
Comment: This sequence change creates a premature translational stop signal (p.Arg49*) in the PIEZO1 gene. It is expected to result in an absent or disrupted protein product. Loss-of-function variants in PIEZO1 are known to be pathogenic (PMID: 26333996). This variant is present in population databases (no rsID available, gnomAD 0.005%). This variant has not been reported in the literature in individuals affected with PIEZO1-related conditions. For these reasons, this variant has been classified as Pathogenic.

Literature cited by the submitters: PubMed 26333996.

NM_001142864.4(PIEZO1):c.145C>T (p.Arg49Ter)

Gene: PIEZO1 (piezo type mechanosensitive ion channel component 1 (Er blood group); minus strand). Cytogenetic location: 16q24.3.
Variant type: single nucleotide variant.
Coding change: c.145C>T on transcript NM_001142864.4 (MANE Select); coding-DNA position 145, C replaced by T.
Protein change: p.Arg49Ter; replaces arginine 49 with a stop codon.
Molecular consequence: nonsense.
Genome position (GRCh38, 1-based): chr16:88,749,399, G>A on the plus strand (C>T on the coding strand, the complement: PIEZO1 is on the minus strand). VCF-style: chr16-88749399-G-A. GRCh37 (hg19) VCF-style: chr16-88815807-G-A.
Other names: short protein forms R49*.
Identifiers: ClinVar variation 2195015 (VCV002195015.4), dbSNP rs1166469802, ClinGen allele CA397127854.
Genomic context (GRCh38, chr16:88,749,399, plus strand): 5'-ACCCCCTCCCACCCTGAGAGCGTGGGCAGGGTCCCCTGGCCTTACCTTGGAGGCCGCATC[G>A]GGTGGGGCCGGGGAACCAGGGCAGCAGCAGCAGGAAGAGCAGGTAGACCAGCGAGAGTCC-3'